The following is an entry in ClinVar:

NM_016263.4(FZR1):c.987C>T (p.Ala329=)

Gene: FZR1 (fizzy and cell division cycle 20 related 1; plus strand). Cytogenetic location: 19p13.3.
Variant type: single nucleotide variant.
Coding change: c.987C>T on transcript NM_016263.4 (MANE Select); coding-DNA position 987, C replaced by T.
Protein change: p.Ala329=; no amino-acid change (alanine 329 retained).
Molecular consequence: synonymous variant.
Genome position (GRCh38, 1-based): chr19:3,532,074, C>T. VCF-style: chr19-3532074-C-T. GRCh37 (hg19) VCF-style: chr19-3532072-C-T.
Other names: c.720C>T, p.Ala240= (NM_001136197.1); c.987C>T, p.Ala329= (NM_001136198.1).
Identifiers: ClinVar variation 4822079 (VCV004822079.4).

ClinVar aggregate classification (germline): Likely benign (1 of 4 stars; one submission).

gnomAD v4.1: 2 of 1,516,668 alleles (0.00013%); highest among the groups gnomAD compares: Non-Finnish European, 0.00018%; no homozygotes.

Submission:

CeGaT Center for Human Genetics Tuebingen
Classification: Likely benign. Last evaluated: 2026-02-01. Review status: criteria provided, single submitter. Criteria: CeGaT Center For Human Genetics Tuebingen Variant Classification Criteria Version 2. Collection method: clinical testing. Allele origin: germline. Affected: yes. Observed: 1 variant allele.
Comment: FZR1: BP4, BP7